The following is an entry in ClinVar:

ClinVar aggregate classification (germline): Uncertain significance (1 of 4 stars; one submission).

Conditions:
SESN2-related condition.

gnomAD v4.1: 1 of 1,455,672 alleles (0.000069%); highest among the groups gnomAD compares: African/African-American, 0.0015%; no homozygotes.

Submission:

PreventionGenetics, part of Exact Sciences
Classification: Uncertain significance for SESN2-related condition. Last evaluated: 2025-03-08. Review status: criteria provided, single submitter. Criteria: ACMG Guidelines, 2015. Collection method: clinical testing. Allele origin: germline.
Comment: The SESN2 c.50G>A variant is predicted to result in the amino acid substitution p.Arg17Gln. To our knowledge, this variant has not been reported in the literature or in a large population database (gnomAD), indicating this variant is rare. At this time, the clinical significance of this variant is uncertain due to the absence of conclusive functional and genetic evidence.

NM_031459.5(SESN2):c.50G>A (p.Arg17Gln)

Gene: SESN2 (sestrin 2; plus strand). Cytogenetic location: 1p35.3.
Variant type: single nucleotide variant.
Coding change: c.50G>A on transcript NM_031459.5 (MANE Select); coding-DNA position 50, G replaced by A.
Protein change: p.Arg17Gln; replaces arginine 17 with glutamine.
Molecular consequence: missense variant.
Genome position (GRCh38, 1-based): chr1:28,259,897, G>A. VCF-style: chr1-28259897-G-A. GRCh37 (hg19) VCF-style: chr1-28586408-G-A.
Other names: short protein forms R17Q.
Identifiers: ClinVar variation 4983988 (VCV004983988.1).